The following is an entry in ClinVar:

NM_016180.5(SLC45A2):c.2T>C (p.Met1Thr)

Gene: SLC45A2 (solute carrier family 45 member 2; minus strand). Cytogenetic location: 5p13.2.
Variant type: single nucleotide variant.
Coding change: c.2T>C on transcript NM_016180.5 (MANE Select); coding-DNA position 2, T replaced by C.
Protein change: p.Met1Thr; changes the start codon (methionine 1).
Molecular consequence: missense variant, initiator codon variant.
Genome position (GRCh38, 1-based): chr5:33,984,582, A>G on the plus strand (T>C on the coding strand, the complement: SLC45A2 is on the minus strand). VCF-style: chr5-33984582-A-G. GRCh37 (hg19) VCF-style: chr5-33984687-A-G.
Other names: c.2T>C, p.Met1Thr (NM_001012509.4, NM_001297417.4); short protein forms M1T.
Identifiers: ClinVar variation 2075883 (VCV002075883.7), dbSNP rs764544992, ClinGen allele CA3225894.

ClinVar aggregate classification (germline): Pathogenic/Likely pathogenic. Review status: criteria provided, multiple submitters, no conflicts (2 of 4 stars). 4 submissions from 4 submitters: Pathogenic (2); Likely pathogenic (2). Last evaluated 2025-11-24.

Conditions:
Oculocutaneous albinism type 4 (OCA4). Also called: Albinism, oculocutaneous, type IV. Identifiers: Orphanet 79435, MedGen C1847836, MONDO:0011683, OMIM 606574.
SLC45A2-related disorder. Also called: SLC45A2-related condition.
SKIN/HAIR/EYE PIGMENTATION 5, BLACK/NONBLACK HAIR (SHEP5). Also called: SKIN/HAIR/EYE PIGMENTATION, VARIATION IN, 5; SKIN/HAIR/EYE PIGMENTATION 5, DARK/FAIR SKIN; SKIN/HAIR/EYE PIGMENTATION 5, DARK/LIGHT EYES. Identifiers: MedGen C2673584, OMIM 227240.

Allele frequency attached by ClinVar (database versions not stated): ExAC 0.00001.

Submissions (4):

Variantyx, Inc.
Classification: Pathogenic for Oculocutaneous albinism type 4. Last evaluated: 2025-11-24. Review status: criteria provided, single submitter. Criteria: Variantyx Assertion Criteria 2022. Collection method: clinical testing. Allele origin: germline. Inheritance: Autosomal recessive inheritance. Affected: yes.
Comment: This is a start-loss variant in the SLC45A2 gene (OMIM: 606202). Pathogenic variants in this gene have been associated with autosomal recessive oculocutaneous albinism type IV. The clinical symptoms reported for this individual are highly specific for autosomal recessive oculocutaneous albinism type IV, which has a limited genetic etiology (PMID: 20301683) (PP4). This variant results in loss of the initiation codon and is expected to result in loss of function, which is a known disease mechanism for SLC45A2 in this disorder (PVS1). This variant has a 0.0060% maximum allele frequency in non-founder control populations (PM2). Based on the current evidence, this variant is classified as pathogenic for autosomal recessive oculocutaneous albinism type IV.

Labcorp Genetics (formerly Invitae), Labcorp
Classification: Pathogenic. Last evaluated: 2025-10-09. Review status: criteria provided, single submitter. Criteria: Invitae Variant Classification Sherloc (09022015). Collection method: clinical testing. Allele origin: germline.
Comment: This sequence change affects the initiator codon of the SLC45A2 mRNA. This change may impact translation initiation or efficiency. The next in-frame methionine is located at codon 37. This variant is present in population databases (rs764544992, gnomAD 0.003%). Disruption of the initiator codon has been observed in individual(s) with oculocutaneous albinism (internal data). In at least one individual the data is consistent with being in trans (on the opposite chromosome) from a pathogenic variant. ClinVar contains an entry for this variant (Variation ID: 2075883). For these reasons, this variant has been classified as Pathogenic.

Fulgent Genetics
Classification: Likely pathogenic for SKIN/HAIR/EYE PIGMENTATION 5, BLACK/NONBLACK HAIR; Oculocutaneous albinism type 4. Last evaluated: 2024-06-13. Review status: criteria provided, single submitter. Criteria: ACMG Guidelines, 2015. Collection method: clinical testing. Allele origin: germline.

Blueprint Genetics
Classification: Likely pathogenic for SLC45A2-related disorders. Last evaluated: 2023-06-09. Review status: criteria provided, single submitter. Criteria: ACMG Guidelines, 2015. Collection method: clinical testing. Allele origin: germline. Affected: yes. Observed: 4 variant alleles.

Literature cited by the submitters: PubMed 20301683 (cited by Variantyx, Inc.).